The following is an entry in ClinVar:

NM_003922.4(HERC1):c.7148C>T (p.Ala2383Val)

Gene: HERC1 (HECT and RLD domain containing E3 ubiquitin protein ligase family member 1; minus strand). Cytogenetic location: 15q22.31.
Variant type: single nucleotide variant.
Coding change: c.7148C>T on transcript NM_003922.4 (MANE Select); coding-DNA position 7148, C replaced by T.
Protein change: p.Ala2383Val; replaces alanine 2383 with valine.
Molecular consequence: missense variant.
Genome position (GRCh38, 1-based): chr15:63,675,040, G>A on the plus strand (C>T on the coding strand, the complement: HERC1 is on the minus strand). VCF-style: chr15-63675040-G-A. GRCh37 (hg19) VCF-style: chr15-63967239-G-A.
Other names: short protein forms A2383V.
Identifiers: ClinVar variation 741924 (VCV000741924.19), dbSNP rs531415921, ClinGen allele CA7605204.

ClinVar aggregate classification (germline): Benign/Likely benign. Review status: criteria provided, multiple submitters, no conflicts (2 of 4 stars). 5 submissions from 5 submitters: Benign (1); Likely benign (3). 1 of the submissions does not count toward it. Last evaluated 2025-11-01.

Conditions:
HERC1-related disorder. Also called: HERC1-related condition.
Inborn genetic diseases. Identifiers: MedGen C0950123, MeSH D030342.

Allele frequency attached by ClinVar (database versions not stated): gnomAD below 0.00001 and 0.00022; TOPMed 0.00002; gnomAD exomes 0.00040 and 0.00072; ExAC 0.00079; 1000 Genomes Project 30x 0.00156; 1000 Genomes Project 0.00160.
gnomAD v4.1: 619 of 1,613,996 alleles (0.038%); highest among the groups gnomAD compares: South Asian, 0.63%; 6 homozygotes.

Submissions (5):

CeGaT Center for Human Genetics Tuebingen
Classification: Benign. Last evaluated: 2025-11-01. Review status: criteria provided, single submitter. Criteria: CeGaT Center For Human Genetics Tuebingen Variant Classification Criteria Version 2. Collection method: clinical testing. Allele origin: germline. Affected: yes. Observed: 1 variant allele.
Comment: HERC1: PP2, BS1, BS2

Labcorp Genetics (formerly Invitae), Labcorp
Classification: Likely benign. Last evaluated: 2025-10-01. Review status: criteria provided, single submitter. Criteria: Invitae Variant Classification Sherloc (09022015). Collection method: clinical testing. Allele origin: germline.

Blueprint Genetics
Classification: Likely benign. Last evaluated: 2024-09-11. Review status: criteria provided, single submitter. Criteria: ACMG Guidelines, 2015. Collection method: clinical testing. Allele origin: germline.

Ambry Genetics
Classification: Likely benign for Inborn genetic diseases. Last evaluated: 2021-08-12. Review status: criteria provided, single submitter. Criteria: Ambry Variant Classification Scheme 2023. Collection method: clinical testing. Allele origin: germline.

PreventionGenetics, part of Exact Sciences
Classification: Likely benign for HERC1-related condition. Last evaluated: 2019-10-21. Review status: no assertion criteria provided. Collection method: clinical testing. Allele origin: germline. Not counted in ClinVar's aggregate classification.
Comment: This variant is classified as likely benign based on ACMG/AMP sequence variant interpretation guidelines (Richards et al. 2015 PMID: 25741868, with internal and published modifications).